The following is an entry in ClinVar:

ClinVar aggregate classification (germline): Conflicting classifications of pathogenicity. Review status: criteria provided, conflicting classifications (1 of 4 stars). 3 submissions from 3 submitters: Uncertain significance (2); Likely benign (1). Last evaluated 2025-04-21.

Conditions:
Cardiovascular phenotype. Identifiers: MedGen CN230736.

Allele frequency attached by ClinVar (database versions not stated): gnomAD exomes below 0.00001; gnomAD 0.00001.
gnomAD v4.1: 2 of 1,550,016 alleles (0.00013%); highest among the groups gnomAD compares: Non-Finnish European, 0.00017%; no homozygotes.

Submissions (3):

Ambry Genetics
Classification: Likely benign for Cardiovascular phenotype. Last evaluated: 2025-04-21. Review status: criteria provided, single submitter. Criteria: Ambry Variant Classification Scheme 2023. Collection method: clinical testing. Allele origin: germline.

GeneDx
Classification: Uncertain significance. Last evaluated: 2024-02-27. Review status: criteria provided, single submitter. Criteria: GeneDx Variant Classification Process June 2021. Collection method: clinical testing. Allele origin: germline. Affected: yes.
Comment: Not observed at significant frequency in large population cohorts (gnomAD); In silico analysis supports that this missense variant does not alter protein structure/function; Has not been previously published as pathogenic or benign to our knowledge

Labcorp Genetics (formerly Invitae), Labcorp
Classification: Uncertain significance. Last evaluated: 2022-05-05. Review status: criteria provided, single submitter. Criteria: Invitae Variant Classification Sherloc (09022015). Collection method: clinical testing. Allele origin: germline.
Comment: In summary, the available evidence is currently insufficient to determine the role of this variant in disease. Therefore, it has been classified as a Variant of Uncertain Significance. Algorithms developed to predict the effect of missense changes on protein structure and function output the following: SIFT: "Tolerated"; PolyPhen-2: "Benign"; Align-GVGD: "Class C0". The lysine amino acid residue is found in multiple mammalian species, which suggests that this missense change does not adversely affect protein function. This variant has not been reported in the literature in individuals affected with ZNF469-related conditions. This variant is present in population databases (no rsID available, gnomAD 0.007%). This sequence change replaces glutamine, which is neutral and polar, with lysine, which is basic and polar, at codon 2270 of the ZNF469 protein (p.Gln2270Lys).

NM_001367624.2(ZNF469):c.6892C>A (p.Gln2298Lys)

Gene: ZNF469 (zinc finger protein 469; plus strand). Cytogenetic location: 16q24.2.
Variant type: single nucleotide variant.
Coding change: c.6892C>A on transcript NM_001367624.2 (MANE Select); coding-DNA position 6892, C replaced by A.
Protein change: p.Gln2298Lys; replaces glutamine 2298 with lysine.
Molecular consequence: missense variant.
Genome position (GRCh38, 1-based): chr16:88,434,362, C>A. VCF-style: chr16-88434362-C-A. GRCh37 (hg19) VCF-style: chr16-88500770-C-A.
Other names: NM_001127464.1:c.6808C>A; short protein forms Q2298K.
Identifiers: ClinVar variation 2134201 (VCV002134201.8), dbSNP rs1451442305, ClinGen allele CA397107565.